The following is an entry in ClinVar:

ClinVar aggregate classification (germline): Pathogenic. Review status: criteria provided, single submitter (1 of 4 stars). 2 submissions from 2 submitters: Pathogenic (1). 1 of the submissions does not count toward it. Last evaluated 2024-01-03.

Conditions:
Osteogenesis imperfecta type I (OI1). Also called: OI, TYPE I; OSTEOGENESIS IMPERFECTA TARDA; OSTEOGENESIS IMPERFECTA WITH BLUE SCLERAE; Classic Non-deforming Osteogenesis Imperfecta with Blue Sclerae; Lobstein disease; Osteogenesis imperfecta type 1. Identifiers: Orphanet 216796, Orphanet 666, MedGen C0023931, MONDO:0008146, OMIM 166200. Disease mechanism: loss of function.
Ehlers-Danlos syndrome, classic type, 1 (EDSCL1). Also called: EHLERS-DANLOS SYNDROME, GRAVIS TYPE; EHLERS-DANLOS SYNDROME, SEVERE CLASSIC TYPE; EDS I; Ehlers-Danlos Syndrome, Classic Type, COL5A1-Related; Ehlers-Danlos syndrome, type 1. Identifiers: MedGen C0268335, MONDO:0019567, OMIM 130000.

Submissions (2):

Labcorp Genetics (formerly Invitae), Labcorp
Classification: Pathogenic for Osteogenesis imperfecta type I; Ehlers-Danlos syndrome, classic type, 1. Last evaluated: 2024-01-03. Review status: criteria provided, single submitter. Criteria: Invitae Variant Classification Sherloc (09022015). Collection method: clinical testing. Allele origin: germline.
Comment: This sequence change replaces glycine, which is neutral and non-polar, with valine, which is neutral and non-polar, at codon 292 of the COL1A2 protein (p.Gly292Val). This variant is not present in population databases (gnomAD no frequency). This variant has not been reported in the literature in individuals affected with COL1A2-related conditions. ClinVar contains an entry for this variant (Variation ID: 430639). Advanced modeling of protein sequence and biophysical properties (such as structural, functional, and spatial information, amino acid conservation, physicochemical variation, residue mobility, and thermodynamic stability) performed at Invitae indicates that this missense variant is expected to disrupt COL1A2 protein function with a positive predictive value of 95%. This variant disrupts the triple helix domain of COL1A2. Glycine residues within the Gly-Xaa-Yaa repeats of the triple helix domain are required for the structure and stability of fibrillar collagens (PMID: 7695699, 8218237, 19344236). In COL1A2, variants affecting these glycine residues are significantly enriched in individuals with disease (PMID: 9016532, 17078022) compared to the general population (ExAC). This variant disrupts the p.Gly292 amino acid residue in COL1A2. Other variant(s) that disrupt this residue have been observed in individuals with COL1A2-related conditions (PMID: 24296239, 26177859, 27519266, 28725987; Invitae), which suggests that this may be a clinically significant amino acid residue. For these reasons, this variant has been classified as Pathogenic.

Institute of Human Genetics, Cologne University
Classification: Pathogenic for Osteogenesis imperfecta type I. Review status: no assertion criteria provided. Collection method: clinical testing. Allele origin: unknown. Inheritance: Autosomal dominant inheritance. Affected: yes. Observed: 1 variant allele, 1 heterozygote. Not counted in ClinVar's aggregate classification.

Literature cited by the submitters: PubMed 7695699 (cited by Labcorp Genetics (formerly Invitae), Labcorp); PubMed 8218237 (cited by Labcorp Genetics (formerly Invitae), Labcorp); PubMed 19344236 (cited by Labcorp Genetics (formerly Invitae), Labcorp); PubMed 9016532 (cited by Labcorp Genetics (formerly Invitae), Labcorp); PubMed 17078022 (cited by Labcorp Genetics (formerly Invitae), Labcorp); PubMed 24296239 (cited by Labcorp Genetics (formerly Invitae), Labcorp); PubMed 26177859 (cited by Labcorp Genetics (formerly Invitae), Labcorp); PubMed 27519266 (cited by Labcorp Genetics (formerly Invitae), Labcorp); PubMed 28725987 (cited by Labcorp Genetics (formerly Invitae), Labcorp).

NM_000089.4(COL1A2):c.875G>T (p.Gly292Val)

Gene: COL1A2 (collagen type I alpha 2 chain; plus strand). Cytogenetic location: 7q21.3.
Variant type: single nucleotide variant.
Coding change: c.875G>T on transcript NM_000089.4 (MANE Select); coding-DNA position 875, G replaced by T.
Protein change: p.Gly292Val; replaces glycine 292 with valine.
Molecular consequence: missense variant.
Genome position (GRCh38, 1-based): chr7:94,409,404, G>T. VCF-style: chr7-94409404-G-T. GRCh37 (hg19) VCF-style: chr7-94038716-G-T.
Other names: short protein forms G292V.
Identifiers: ClinVar variation 430639 (VCV000430639.4), dbSNP rs1131692167, ClinGen allele CA368220688.